The following is an entry in ClinVar:

ClinVar aggregate classification (germline): Conflicting classifications of pathogenicity. Review status: criteria provided, conflicting classifications (1 of 4 stars). 3 submissions from 3 submitters: Uncertain significance (2); Likely benign (1). Last evaluated 2026-01-26.

Conditions:
Malignant hyperthermia, susceptibility to, 5 (MHS5). Also called: CACNA1S-Related Malignant Hyperthermia Susceptibility. Identifiers: Orphanet 423, MedGen C1866077, MONDO:0011163, OMIM 601887.
Hypokalemic periodic paralysis, type 1. Also called: HypoPP; Hypokalemic Periodic Paralysis Type 1 (AD). Identifiers: Orphanet 681, MedGen C3714580, MONDO:0042979, OMIM 170400.

Allele frequency attached by ClinVar (database versions not stated): gnomAD exomes below 0.00001; ExAC 0.00002; gnomAD 0.00003; TOPMed 0.00004; ESP Exome Variant Server 0.00015.
gnomAD v4.1: 5 of 1,613,910 alleles (0.00031%); highest among the groups gnomAD compares: African/African-American, 0.0067%; no homozygotes.

Submissions (3):

Labcorp Genetics (formerly Invitae), Labcorp
Classification: Likely benign for Hypokalemic periodic paralysis, type 1; Malignant hyperthermia, susceptibility to, 5. Last evaluated: 2026-01-26. Review status: criteria provided, single submitter. Criteria: Invitae Variant Classification Sherloc (09022015). Collection method: clinical testing. Allele origin: germline.

All of Us Research Program, National Institutes of Health
Classification: Uncertain significance for Malignant hyperthermia, susceptibility to, 5. Last evaluated: 2023-12-13. Review status: criteria provided, single submitter. Criteria: ACMG Guidelines, 2015. Collection method: clinical testing. Allele origin: germline. Inheritance: Autosomal dominant inheritance. Observed: 2 variant alleles, 2 heterozygotes.
Comment: This missense variant replaces phenylalanine with leucine at codon 1468 of the CACNA1S protein. Computational prediction suggests that this variant may not impact protein structure and function (internally defined REVEL score threshold <= 0.5, PMID: 27666373). To our knowledge, functional studies have not been reported for this variant. This variant has not been reported in individuals affected with CACNA1S-related disorders in the literature. This variant has been identified in 3/282590 chromosomes in the general population by the Genome Aggregation Database (gnomAD). The available evidence is insufficient to determine the role of this variant in disease conclusively. Therefore, this variant is classified as a Variant of Uncertain Significance.

This study involves interpretation of variants in research participants for the purpose of population health screening. Participant phenotype was not available at the time of variant classification. Additional details can be found in publication PMID: 35346344, PMCID: PMC8962531

Color Diagnostics, LLC DBA Color Health
Classification: Uncertain significance for Malignant hyperthermia, susceptibility to, 5. Last evaluated: 2023-11-08. Review status: criteria provided, single submitter. Criteria: ACMG Guidelines, 2015. Collection method: clinical testing. Allele origin: germline.
Comment: This missense variant replaces phenylalanine with leucine at codon 1468 of the CACNA1S protein. Computational prediction suggests that this variant may not impact protein structure and function. To our knowledge, functional studies have not been reported for this variant. This variant has not been reported in individuals affected with CACNA1S-related disorders in the literature. This variant has been identified in 3/282590 chromosomes in the general population by the Genome Aggregation Database (gnomAD). The available evidence is insufficient to determine the role of this variant in disease conclusively. Therefore, this variant is classified as a Variant of Uncertain Significance.

NM_000069.3(CACNA1S):c.4404T>A (p.Phe1468Leu)

Gene: CACNA1S (calcium voltage-gated channel subunit alpha1 S; minus strand). Cytogenetic location: 1q32.1.
Variant type: single nucleotide variant.
Coding change: c.4404T>A on transcript NM_000069.3 (MANE Select); coding-DNA position 4404, T replaced by A.
Protein change: p.Phe1468Leu; replaces phenylalanine 1468 with leucine.
Molecular consequence: missense variant.
Genome position (GRCh38, 1-based): chr1:201,048,619, A>T on the plus strand (T>A on the coding strand, the complement: CACNA1S is on the minus strand). VCF-style: chr1-201048619-A-T. GRCh37 (hg19) VCF-style: chr1-201017747-A-T.
Other names: short protein forms F1468L.
Identifiers: ClinVar variation 3070891 (VCV003070891.3), dbSNP rs373506089, ClinGen allele CA083326.